The following is an entry in ClinVar:

NM_004667.6(HERC2):c.6905C>G (p.Ser2302Trp)

Gene: HERC2 (HECT and RLD domain containing E3 ubiquitin protein ligase 2; minus strand). Cytogenetic location: 15q13.1.
Variant type: single nucleotide variant.
Coding change: c.6905C>G on transcript NM_004667.6 (MANE Select); coding-DNA position 6905, C replaced by G.
Protein change: p.Ser2302Trp; replaces serine 2302 with tryptophan.
Molecular consequence: missense variant.
Genome position (GRCh38, 1-based): chr15:28,212,465, G>C on the plus strand (C>G on the coding strand, the complement: HERC2 is on the minus strand). VCF-style: chr15-28212465-G-C. GRCh37 (hg19) VCF-style: chr15-28457611-G-C.
Other names: short protein forms S2302W.
Identifiers: ClinVar variation 4281103 (VCV004281103.7).

ClinVar aggregate classification (germline): Uncertain significance (1 of 4 stars; one submission).

gnomAD v4.1: 21 of 1,610,176 alleles (0.0013%); highest among the groups gnomAD compares: Non-Finnish European, 0.0016%; no homozygotes.

Submission:

CeGaT Center for Human Genetics Tuebingen
Classification: Uncertain significance. Last evaluated: 2025-09-01. Review status: criteria provided, single submitter. Criteria: CeGaT Center For Human Genetics Tuebingen Variant Classification Criteria Version 2. Collection method: clinical testing. Allele origin: germline. Affected: yes. Observed: 1 variant allele.
Comment: HERC2: PM2, BP4